The following is an entry in ClinVar:

ClinVar aggregate classification (germline): Conflicting classifications of pathogenicity. Review status: criteria provided, conflicting classifications (1 of 4 stars). 2 submissions from 2 submitters: Uncertain significance (1); Likely benign (1). Last evaluated 2021-05-17.

Conditions:
Hereditary cancer-predisposing syndrome. Also called: Neoplastic Syndromes, Hereditary; Tumor predisposition; Hereditary neoplastic syndrome; Hereditary Cancer Syndrome. Identifiers: Orphanet 140162, MedGen C0027672, MeSH D009386, MONDO:0015356.

Submissions (2):

Ambry Genetics
Classification: Likely benign for Hereditary cancer-predisposing syndrome. Last evaluated: 2021-05-17. Review status: criteria provided, single submitter. Criteria: Ambry Variant Classification Scheme 2023. Collection method: clinical testing. Allele origin: germline.

Color Diagnostics, LLC DBA Color Health
Classification: Uncertain significance for Hereditary cancer-predisposing syndrome. Last evaluated: 2019-11-22. Review status: criteria provided, single submitter. Criteria: ACMG Guidelines, 2015. Collection method: clinical testing. Allele origin: germline.
Comment: This variant causes an A>C nucleotide substitution at the -3 position of intron 13 of the ATM gene. To our knowledge, functional studies have not been performed for this variant. This variant has not been reported in individuals affected with hereditary cancer in the literature. This variant has not been identified in the general population by the Genome Aggregation Database (gnomAD). The available evidence is insufficient to determine the role of this variant in disease conclusively. Therefore, this variant is classified as a Variant of Uncertain Significance.

NM_000051.4(ATM):c.2125-3A>C

Gene: ATM (ATM serine/threonine kinase; plus strand). Cytogenetic location: 11q22.3.
Variant type: single nucleotide variant.
Coding change: c.2125-3A>C on transcript NM_000051.4 (MANE Select); 3 bases into the intron before coding-DNA position 2125, A replaced by C.
Molecular consequence: intron variant.
Genome position (GRCh38, 1-based): chr11:108,256,212, A>C. VCF-style: chr11-108256212-A-C. GRCh37 (hg19) VCF-style: chr11-108126939-A-C.
Other names: c.2125-3A>C (NM_001351834.2).
Identifiers: ClinVar variation 628433 (VCV000628433.6), dbSNP rs1565394396, ClinGen allele CA913188466.
Genomic context (GRCh38, chr11:108,256,212, plus strand): 5'-AAAGATAGAGTATACTAAATTATTTATGAAATATATATATTTTTATTTGTGGTTTACTTT[A>C]AGATTACAAATTCAGAAACTCTTGTCCGGTGTTCACGTCTTTTGGTGGGTGTCCTTGGCT-3'